The following is an entry in ClinVar:

ClinVar aggregate classification (germline): Uncertain significance (1 of 4 stars; one submission).

Conditions:
Ehlers-Danlos syndrome, classic type, 1 (EDSCL1). Also called: EHLERS-DANLOS SYNDROME, GRAVIS TYPE; EHLERS-DANLOS SYNDROME, SEVERE CLASSIC TYPE; Ehlers-Danlos syndrome, type 1; Ehlers-Danlos Syndrome, Classic Type, COL5A1-Related; EDS I. Identifiers: MedGen C0268335, MONDO:0019567, OMIM 130000.

Submission:

Labcorp Genetics (formerly Invitae), Labcorp
Classification: Uncertain significance for Ehlers-Danlos syndrome, classic type, 1. Last evaluated: 2024-04-10. Review status: criteria provided, single submitter. Criteria: Invitae Variant Classification Sherloc (09022015). Collection method: clinical testing. Allele origin: germline.
Comment: This sequence change replaces valine, which is neutral and non-polar, with methionine, which is neutral and non-polar, at codon 1807 of the COL5A1 protein (p.Val1807Met). This variant is not present in population databases (gnomAD no frequency). This variant has not been reported in the literature in individuals affected with COL5A1-related conditions. Advanced modeling of protein sequence and biophysical properties (such as structural, functional, and spatial information, amino acid conservation, physicochemical variation, residue mobility, and thermodynamic stability) performed at Invitae indicates that this missense variant is not expected to disrupt COL5A1 protein function with a negative predictive value of 95%. In summary, the available evidence is currently insufficient to determine the role of this variant in disease. Therefore, it has been classified as a Variant of Uncertain Significance.

NM_000093.5(COL5A1):c.5419G>A (p.Val1807Met)

Genes: COL5A1 (collagen type V alpha 1 chain; plus strand), LOC101448202 (uncharacterized LOC101448202; minus strand). Cytogenetic location: 9q34.3.
Variant type: single nucleotide variant.
Coding change: c.5419G>A on transcript NM_000093.5 (MANE Select); coding-DNA position 5419, G replaced by A.
Protein change: p.Val1807Met; replaces valine 1807 with methionine.
Molecular consequence: missense variant.
Genome position (GRCh38, 1-based): chr9:134,842,205, G>A. VCF-style: chr9-134842205-G-A. GRCh37 (hg19) VCF-style: chr9-137734051-G-A.
Other names: c.5419G>A, p.Val1807Met (NM_001278074.1); short protein forms V1807M.
Identifiers: ClinVar variation 3672676 (VCV003672676.2).